The following is an entry in ClinVar:

ClinVar aggregate classification (germline): Uncertain significance (1 of 4 stars; one submission).

Conditions:
Hereditary pancreatitis (PCTT). Also called: PRSS1-Related Hereditary Pancreatitis; Hereditary chronic pancreatitis. Identifiers: Orphanet 676, MedGen C0238339, MONDO:0008185, OMIM 167800.

Submission:

Ambry Genetics
Classification: Uncertain significance for Hereditary pancreatitis. Last evaluated: 2022-04-18. Review status: criteria provided, single submitter. Criteria: Ambry Variant Classification Scheme 2023. Collection method: clinical testing. Allele origin: germline.
Comment: The c.988-3C>T intronic variant results from a C to T substitution 3 nucleotides upstream from coding exon 9 in the CPA1 gene. This nucleotide position is well conserved in available vertebrate species. In silico splice site analysis predicts that this alteration will not have any significant effect on splicing. Since supporting evidence is limited at this time, the clinical significance of this alteration remains unclear.

NM_001868.4(CPA1):c.988-3C>T

Gene: CPA1 (carboxypeptidase A1; plus strand). Cytogenetic location: 7q32.2.
Variant type: single nucleotide variant.
Coding change: c.988-3C>T on transcript NM_001868.4 (MANE Select); 3 bases into the intron before coding-DNA position 988, C replaced by T.
Molecular consequence: intron variant.
Genome position (GRCh38, 1-based): chr7:130,385,836, C>T. VCF-style: chr7-130385836-C-T. GRCh37 (hg19) VCF-style: chr7-130025677-C-T.
Identifiers: ClinVar variation 1768489 (VCV001768489.2), dbSNP rs1554411934, ClinGen allele CA2580076666.